The following is an entry in ClinVar:

ClinVar aggregate classification (germline): Uncertain significance (1 of 4 stars; one submission).

Allele frequency attached by ClinVar (database versions not stated): TOPMed below 0.00001; gnomAD 0.00001; gnomAD exomes 0.00001; ExAC 0.00004.

Submission:

Ambry Genetics
Classification: Uncertain significance. Last evaluated: 2022-10-24. Review status: criteria provided, single submitter. Criteria: Ambry Variant Classification Scheme 2023. Collection method: clinical testing. Allele origin: germline.
Comment: The p.M72T variant (also known as c.215T>C), located in coding exon 1 of the MNDA gene, results from a T to C substitution at nucleotide position 215. The methionine at codon 72 is replaced by threonine, an amino acid with similar properties. This amino acid position is conserved. In addition, this alteration is predicted to be tolerated by in silico analysis. Since supporting evidence is limited at this time, the clinical significance of this alteration remains unclear.

NM_002432.3(MNDA):c.215T>C (p.Met72Thr)

Gene: MNDA (myeloid cell nuclear differentiation antigen; plus strand). Cytogenetic location: 1q23.1.
Variant type: single nucleotide variant.
Coding change: c.215T>C on transcript NM_002432.3 (MANE Select); coding-DNA position 215, T replaced by C.
Protein change: p.Met72Thr; replaces methionine 72 with threonine.
Molecular consequence: missense variant.
Genome position (GRCh38, 1-based): chr1:158,842,368, T>C. VCF-style: chr1-158842368-T-C. GRCh37 (hg19) VCF-style: chr1-158812158-T-C.
Other names: short protein forms M72T.
Identifiers: ClinVar variation 1786887 (VCV001786887.2), dbSNP rs771446027, ClinGen allele CA1185516.
Genomic context (GRCh38, chr1:158,842,368, plus strand): 5'-TGGAAAAAAAGTTCCAAGGCGTTGCCTGTCTAGACAAACTAATAGAACTTGCCAAAGATA[T>C]GCCATCACTTAAAAACCTTGTTAACAATCTTCGAAAAGAGAAGTCAAAAGGTAATAGAGA-3'
Protein context (NP_002423.1, residues 62-82): LDKLIELAKD[Met72Thr]PSLKNLVNNL